The following is an entry in ClinVar:

NM_005120.3(MED12):c.5109C>T (p.Gly1703=)

Gene: MED12 (mediator complex subunit 12; plus strand). Cytogenetic location: Xq13.1.
Variant type: single nucleotide variant.
Coding change: c.5109C>T on transcript NM_005120.3 (MANE Select); coding-DNA position 5109, C replaced by T.
Protein change: p.Gly1703=; no amino-acid change (glycine 1703 retained).
Molecular consequence: synonymous variant.
Genome position (GRCh38, 1-based): chrX:71,136,364, C>T. VCF-style: chrX-71136364-C-T. GRCh37 (hg19) VCF-style: chrX-70356214-C-T.
Identifiers: ClinVar variation 702939 (VCV000702939.13), dbSNP rs781134410, ClinGen allele CA10444744.

ClinVar aggregate classification (germline): Benign/Likely benign. Review status: criteria provided, multiple submitters, no conflicts (2 of 4 stars). 3 submissions from 3 submitters: Benign (1); Likely benign (2). Last evaluated 2026-01-02.

Conditions:
FG syndrome (FGS). Identifiers: MedGen C0220769, MONDO:0002010.
Familial thoracic aortic aneurysm and aortic dissection (TAAD). Also called: Thoracic aortic aneurysms and dissections. Identifiers: Orphanet 91387, MedGen C4707243, MONDO:0019625.
MED12-Related Disorders. Also called: MED12-related disorder; MED12-related condition. Identifiers: MedGen CN381102.

Allele frequency attached by ClinVar (database versions not stated): gnomAD 0.00003; gnomAD exomes 0.00005; ExAC 0.00006; 1000 Genomes Project 30x 0.00062; 1000 Genomes Project 0.00079.
gnomAD v4.1: 19 of 1,209,759 alleles (0.0016%); highest among the groups gnomAD compares: South Asian, 0.03%; no homozygotes.

Submissions (3):

Labcorp Genetics (formerly Invitae), Labcorp
Classification: Benign for FG syndrome. Last evaluated: 2026-01-02. Review status: criteria provided, single submitter. Criteria: Invitae Variant Classification Sherloc (09022015). Collection method: clinical testing. Allele origin: germline.

Ambry Genetics
Classification: Likely benign for Familial thoracic aortic aneurysm and aortic dissection. Last evaluated: 2025-03-25. Review status: criteria provided, single submitter. Criteria: Ambry Variant Classification Scheme 2023. Collection method: clinical testing. Allele origin: germline.

PreventionGenetics, part of Exact Sciences
Classification: Likely benign for MED12-related condition. Last evaluated: 2025-01-25. Review status: criteria provided, single submitter. Criteria: ACMG Guidelines, 2015. Collection method: clinical testing. Allele origin: germline.
Comment: This variant is classified as likely benign based on ACMG/AMP sequence variant interpretation guidelines (Richards et al. 2015 PMID: 25741868, with internal and published modifications).